The following is an entry in ClinVar:

ClinVar aggregate classification (germline): Uncertain significance. Review status: criteria provided, multiple submitters, no conflicts (2 of 4 stars). 3 submissions from 3 submitters: Uncertain significance (3). Last evaluated 2026-01-18.

Conditions:
Severe combined immunodeficiency due to DNA-PKcs deficiency. Also called: IMMUNODEFICIENCY 26 WITH NEUROLOGIC ABNORMALITIES; Immunodeficiency 26 with or without neurologic abnormalities. Identifiers: Orphanet 317425, MedGen C4014833, MONDO:0014423, OMIM 615966.

Allele frequency attached by ClinVar (database versions not stated): ExAC 0.00002; gnomAD exomes 0.00004; TOPMed 0.00004; gnomAD 0.00005 and 0.00006.
gnomAD v4.1: 41 of 1,610,456 alleles (0.0025%); highest among the groups gnomAD compares: African/African-American, 0.008%; no homozygotes.

Submissions (3):

Labcorp Genetics (formerly Invitae), Labcorp
Classification: Uncertain significance for Severe combined immunodeficiency due to DNA-PKcs deficiency. Last evaluated: 2026-01-18. Review status: criteria provided, single submitter. Criteria: Invitae Variant Classification Sherloc (09022015). Collection method: clinical testing. Allele origin: germline.
Comment: This sequence change replaces serine, which is neutral and polar, with leucine, which is neutral and non-polar, at codon 1233 of the PRKDC protein (p.Ser1233Leu). This variant is present in population databases (rs575674401, gnomAD 0.01%). This variant has not been reported in the literature in individuals affected with PRKDC-related conditions. ClinVar contains an entry for this variant (Variation ID: 573170). Experimental studies and prediction algorithms are not available or were not evaluated, and the functional significance of this variant is currently unknown. In summary, the available evidence is currently insufficient to determine the role of this variant in disease. Therefore, it has been classified as a Variant of Uncertain Significance.

Ambry Genetics
Classification: Uncertain significance. Last evaluated: 2025-01-20. Review status: criteria provided, single submitter. Criteria: Ambry Variant Classification Scheme 2023. Collection method: clinical testing. Allele origin: germline.

Breakthrough Genomics
Classification: Uncertain significance. Review status: criteria provided, single submitter. Criteria: ACMG Guidelines, 2015. Collection method: not provided. Allele origin: germline. Inheritance: Autosomal recessive inheritance. Affected: yes.

NM_006904.7(PRKDC):c.3698C>T (p.Ser1233Leu)

Gene: PRKDC (protein kinase, DNA-activated, catalytic subunit; minus strand). Cytogenetic location: 8q11.21.
Variant type: single nucleotide variant.
Coding change: c.3698C>T on transcript NM_006904.7 (MANE Select); coding-DNA position 3698, C replaced by T.
Protein change: p.Ser1233Leu; replaces serine 1233 with leucine.
Molecular consequence: missense variant.
Genome position (GRCh38, 1-based): chr8:47,893,288, G>A on the plus strand (C>T on the coding strand, the complement: PRKDC is on the minus strand). VCF-style: chr8-47893288-G-A. GRCh37 (hg19) VCF-style: chr8-48805848-G-A.
Other names: c.3698C>T, p.Ser1233Leu (NM_001081640.2); short protein forms S1233L.
Identifiers: ClinVar variation 573170 (VCV000573170.11), dbSNP rs575674401, ClinGen allele CA4741112.